The following is an entry in ClinVar:

ClinVar aggregate classification (germline): Uncertain significance (1 of 4 stars; one submission).

Conditions:
Hypospadias 2, X-linked (HYSP2). Identifiers: Orphanet 440, MedGen C2677879, MONDO:0010423, OMIM 300758.

Submission:

Neuberg Centre For Genomic Medicine, NCGM
Classification: Uncertain significance for Hypospadias 2, X-linked. Review status: criteria provided, single submitter. Criteria: ACMG Guidelines, 2015. Collection method: clinical testing. Allele origin: germline. Inheritance: X-linked recessive inheritance. Affected: yes.
Comment: The missense variant c.2783A>Gp.Gln928Arg in MAMLD1 gene has not been reported previously as a pathogenic variant nor as a benign variant, to our knowledge. The variant is novel not in any individuals in gnomAD Exomes and 1000 Genomes. The amino acid Glutamine at position 928 is changed to a Arginine changing protein sequence and it might alter its composition and physico-chemical properties. The amino acid change p.Gln928Arg in MAMLD1 is predicted as conserved by GERP++ and PhyloP across 100 vertebrates. For these reasons, this variant has been classified as Uncertain Significance.

NM_005491.5(MAMLD1):c.*900A>G

Gene: MAMLD1 (mastermind like domain containing 1; plus strand). Cytogenetic location: Xq28.
Variant type: single nucleotide variant.
Coding change: c.*900A>G on transcript NM_005491.5 (MANE Select); 900 bases downstream of the stop codon, A replaced by G.
Molecular consequence: 3 prime UTR variant. On other transcripts: missense variant (2).
Genome position (GRCh38, 1-based): chrX:150,512,859, A>G. VCF-style: chrX-150512859-A-G. GRCh37 (hg19) VCF-style: chrX-149681129-A-G.
Other names: c.2783A>G, p.Gln928Arg (NM_001177465.3); c.*900A>G (NM_001177466.3, NM_001400513.1, NM_001400514.1 and 1 more transcripts); c.2858A>G, p.Gln953Arg (NM_001400512.1); short protein forms Q928R, Q953R.
Identifiers: ClinVar variation 3235051 (VCV003235051.1), dbSNP rs2521899599, ClinGen allele CA415254639.